The following is an entry in ClinVar:

ClinVar aggregate classification (germline): Uncertain significance (1 of 4 stars; one submission).

Allele frequency attached by ClinVar (database versions not stated): gnomAD exomes below 0.00001; TOPMed below 0.00001; gnomAD 0.00001.
gnomAD v4.1: 3 of 1,613,158 alleles (0.00019%); highest among the groups gnomAD compares: Non-Finnish European, 0.00025%; no homozygotes.

Submission:

Labcorp Genetics (formerly Invitae), Labcorp
Classification: Uncertain significance. Last evaluated: 2022-07-24. Review status: criteria provided, single submitter. Criteria: Invitae Variant Classification Sherloc (09022015). Collection method: clinical testing. Allele origin: germline.
Comment: In summary, the available evidence is currently insufficient to determine the role of this variant in disease. Therefore, it has been classified as a Variant of Uncertain Significance. Variants that disrupt the consensus splice site are a relatively common cause of aberrant splicing (PMID: 17576681, 9536098). Algorithms developed to predict the effect of sequence changes on RNA splicing suggest that this variant may disrupt the consensus splice site. This variant has not been reported in the literature in individuals affected with C8A-related conditions. This variant is not present in population databases (gnomAD no frequency). This sequence change falls in intron 3 of the C8A gene. It does not directly change the encoded amino acid sequence of the C8A protein. It affects a nucleotide within the consensus splice site.

Literature cited by the submitters: PubMed 17576681; PubMed 9536098.

NM_000562.3(C8A):c.316+4A>G

Gene: C8A (complement C8 alpha chain; plus strand). Cytogenetic location: 1p32.2.
Variant type: single nucleotide variant.
Coding change: c.316+4A>G on transcript NM_000562.3 (MANE Select); 4 bases into the intron after coding-DNA position 316, A replaced by G.
Molecular consequence: intron variant.
Genome position (GRCh38, 1-based): chr1:56,875,097, A>G. VCF-style: chr1-56875097-A-G. GRCh37 (hg19) VCF-style: chr1-57340770-A-G.
Identifiers: ClinVar variation 1942529 (VCV001942529.5), dbSNP rs1037580993, ClinGen allele CA22859479.